The following is an entry in ClinVar:

NM_001376.5(DYNC1H1):c.6420C>T (p.Ser2140=)

Gene: DYNC1H1 (dynein cytoplasmic 1 heavy chain 1; plus strand). Cytogenetic location: 14q32.31.
Variant type: single nucleotide variant.
Coding change: c.6420C>T on transcript NM_001376.5 (MANE Select); coding-DNA position 6420, C replaced by T.
Protein change: p.Ser2140=; no amino-acid change (serine 2140 retained).
Molecular consequence: synonymous variant.
Genome position (GRCh38, 1-based): chr14:102,010,754, C>T. VCF-style: chr14-102010754-C-T. GRCh37 (hg19) VCF-style: chr14-102477091-C-T.
Identifiers: ClinVar variation 2976821 (VCV002976821.5), dbSNP rs759977828, ClinGen allele CA7352625.

ClinVar aggregate classification (germline): Likely benign. Review status: criteria provided, single submitter (1 of 4 stars). 2 submissions from 2 submitters: Likely benign (1). 1 of the submissions does not count toward it. Last evaluated 2025-06-27.

Conditions:
Charcot-Marie-Tooth disease axonal type 2O. Also called: Charcot-Marie-Tooth Neuropathy Type 2O; CHARCOT-MARIE-TOOTH NEUROPATHY, AXONAL, TYPE 2O; CHARCOT-MARIE-TOOTH DISEASE, AXONAL, AUTOSOMAL DOMINANT, TYPE 2O; Charcot-Marie-Tooth disease, axonal, type 20. Identifiers: Orphanet 284232, MedGen C3280220, MONDO:0013644, OMIM 614228.
DYNC1H1-related disorder. Also called: DYNC1H1-related condition; DYNC1H1-related disorders. Identifiers: MedGen CN381529.

Allele frequency attached by ClinVar (database versions not stated): ExAC 0.00001; gnomAD 0.00001; TOPMed 0.00001.
gnomAD v4.1: 28 of 1,612,742 alleles (0.0017%); highest among the groups gnomAD compares: Non-Finnish European, 0.0022%; no homozygotes.

Submissions (2):

Labcorp Genetics (formerly Invitae), Labcorp
Classification: Likely benign for Charcot-Marie-Tooth disease axonal type 2O. Last evaluated: 2025-06-27. Review status: criteria provided, single submitter. Criteria: Invitae Variant Classification Sherloc (09022015). Collection method: clinical testing. Allele origin: germline.

PreventionGenetics, part of Exact Sciences
Classification: Likely benign for DYNC1H1-related condition. Last evaluated: 2021-09-15. Review status: no assertion criteria provided. Collection method: clinical testing. Allele origin: germline. Not counted in ClinVar's aggregate classification.
Comment: This variant is classified as likely benign based on ACMG/AMP sequence variant interpretation guidelines (Richards et al. 2015 PMID: 25741868, with internal and published modifications).